The following is an entry in ClinVar:

ClinVar aggregate classification (germline): Uncertain significance (1 of 4 stars; one submission).

gnomAD v4.1: 4 of 1,611,112 alleles (0.00025%); highest among the groups gnomAD compares: Non-Finnish European, 0.00034%; no homozygotes.

Submission:

Women's Health and Genetics/Laboratory Corporation of America, LabCorp
Classification: Uncertain significance. Last evaluated: 2026-05-26. Review status: criteria provided, single submitter. Criteria: LabCorp Variant Classification Summary - May 2015. Collection method: clinical testing. Allele origin: germline.
Comment: Variant summary: TTN c.91318C>T (p.Leu30440Phe) results in a non-conservative amino acid change in the encoded protein sequence. Algorithms developed to predict the effect of missense changes on protein structure and function are either unavailable or do not agree on the potential impact of this missense change. The variant was absent in 246896 control chromosomes. The available data on variant occurrences in the general population are insufficient to allow any conclusion about variant significance. To our knowledge, no occurrence of c.91318C>T in individuals affected with TTN-related conditions and no experimental evidence demonstrating its impact on protein function have been reported. No submitters have cited clinical-significance assessments for this variant to ClinVar. Based on the evidence outlined above, the variant was classified as uncertain significance.

NM_001267550.2(TTN):c.99022C>T (p.Leu33008Phe)

Genes: TTN (titin; minus strand), TTN-AS1 (TTN antisense RNA 1; plus strand). Cytogenetic location: 2q31.2.
Variant type: single nucleotide variant.
Coding change: c.99022C>T on transcript NM_001267550.2 (MANE Select); coding-DNA position 99022, C replaced by T.
Protein change: p.Leu33008Phe; replaces leucine 33008 with phenylalanine.
Molecular consequence: missense variant. On other transcripts: non-coding transcript variant (1).
Genome position (GRCh38, 1-based): chr2:178,538,807, G>A on the plus strand (C>T on the coding strand, the complement: TTN is on the minus strand). VCF-style: chr2-178538807-G-A. GRCh37 (hg19) VCF-style: chr2-179403534-G-A.
Other names: c.94099C>T, p.Leu31367Phe (NM_001256850.1); c.71827C>T, p.Leu23943Phe (NM_003319.4); c.91318C>T, p.Leu30440Phe (NM_133378.4); c.72202C>T, p.Leu24068Phe (NM_133432.3); c.72403C>T, p.Leu24135Phe (NM_133437.4); short protein forms L23943F, L24068F, L24135F, L30440F, L31367F, L33008F.
Identifiers: ClinVar variation 4853675 (VCV004853675.1).
Genomic context (GRCh38, chr2:178,538,807, plus strand): 5'-TACCACCATCACATTCAGGTTTCTCCCACTGTAGAGTGACACTATCTTTGGATATTGAAA[G>A]AATCTCAAGTTCTCCTGGTTGGCTTGGTTTATCTGAAATATTTTAAAATAATGAAAAGGG-3'
Protein context (NP_001254479.2, residues 32998-33018): KPSQPGELEI[Leu33008Phe]SISKDSVTLQ